The following is an entry in ClinVar:

NM_006593.4(TBR1):c.1521G>A (p.Ala507=)

Genes: TBR1 (T-box brain transcription factor 1; plus strand), LOC129935026 (ATAC-STARR-seq lymphoblastoid silent region 12060; plus strand). Cytogenetic location: 2q24.2.
Variant type: single nucleotide variant.
Coding change: c.1521G>A on transcript NM_006593.4 (MANE Select); coding-DNA position 1521, G replaced by A.
Protein change: p.Ala507=; no amino-acid change (alanine 507 retained).
Molecular consequence: synonymous variant.
Genome position (GRCh38, 1-based): chr2:161,423,699, G>A. VCF-style: chr2-161423699-G-A. GRCh37 (hg19) VCF-style: chr2-162280210-G-A.
Other names: c.1521G>A (NM_006593.3).
Identifiers: ClinVar variation 2651466 (VCV002651466.25), dbSNP rs536832524, ClinGen allele CA1930994.
Genomic context (GRCh38, chr2:161,423,699, plus strand): 5'-GCCGGCCAACAACCGGCTGGACTTCGCGGCCTCGGCCTATGACACGGCCACGGACTTCGC[G>A]GGCAACGCGGCCACGCTGCTCTCTTACGCGGCGGCGGGCGTGAAGGCGCTGCCGCTGCAG-3'
Protein context (NP_006584.1, residues 497-517): ASAYDTATDF[Ala507=]GNAATLLSYA

ClinVar aggregate classification (germline): Benign/Likely benign. Review status: criteria provided, multiple submitters, no conflicts (2 of 4 stars). 2 submissions from 2 submitters: Benign (1); Likely benign (1). Last evaluated 2025-05-26.

Conditions:
TBR1-related disorder. Also called: TBR1-related condition.

Allele frequency attached by ClinVar (database versions not stated): 1000 Genomes Project 30x 0.00016; 1000 Genomes Project 0.00020; TOPMed 0.00025.
gnomAD v4.1: 104 of 1,537,302 alleles (0.0068%); highest among the groups gnomAD compares: Admixed American, 0.095%; no homozygotes.

Submissions (2):

PreventionGenetics, part of Exact Sciences
Classification: Likely benign for TBR1-related condition. Last evaluated: 2025-05-26. Review status: criteria provided, single submitter. Criteria: ACMG Guidelines, 2015. Collection method: clinical testing. Allele origin: germline.
Comment: This variant is classified as likely benign based on ACMG/AMP sequence variant interpretation guidelines (Richards et al. 2015 PMID: 25741868, with internal and published modifications).

CeGaT Center for Human Genetics Tuebingen
Classification: Benign. Last evaluated: 2022-06-01. Review status: criteria provided, single submitter. Criteria: CeGaT Center For Human Genetics Tuebingen Variant Classification Criteria Version 2. Collection method: clinical testing. Allele origin: germline. Affected: yes. Observed: 1 variant allele.
Comment: TBR1: BS1, BS2